The following is an entry in ClinVar:

NM_006796.3(AFG3L2):c.215-14T>C

Gene: AFG3L2 (AFG3 like matrix AAA peptidase subunit 2; minus strand). Cytogenetic location: 18p11.21.
Variant type: single nucleotide variant.
Coding change: c.215-14T>C on transcript NM_006796.3 (MANE Select); 14 bases into the intron before coding-DNA position 215, T replaced by C.
Molecular consequence: intron variant.
Genome position (GRCh38, 1-based): chr18:12,370,940, A>G on the plus strand (T>C on the coding strand, the complement: AFG3L2 is on the minus strand). VCF-style: chr18-12370940-A-G. GRCh37 (hg19) VCF-style: chr18-12370939-A-G.
Identifiers: ClinVar variation 3339172 (VCV003339172.1).

ClinVar aggregate classification (germline): Likely benign (1 of 4 stars; one submission).

Submission:

Women's Health and Genetics/Laboratory Corporation of America, LabCorp
Classification: Likely benign. Last evaluated: 2024-07-03. Review status: criteria provided, single submitter. Criteria: LabCorp Variant Classification Summary - May 2015. Collection method: clinical testing. Allele origin: germline.
Comment: Variant summary: AFG3L2 c.215-14T>C alters a non-conserved nucleotide located at a position not widely known to affect splicing. Consensus agreement among computation tools predict no significant impact on normal splicing. However, these predictions have yet to be confirmed by functional studies. The variant allele was found at a frequency of 7e-05 in 200236 control chromosomes (gnomAD). To our knowledge, no occurrence of c.215-14T>C in individuals affected with Spinocerebellar Ataxia Type 28 and no experimental evidence demonstrating its impact on protein function have been reported. No submitters have cited clinical-significance assessments for this variant to ClinVar. Based on the evidence outlined above, the variant was classified as likely benign.